The following is an entry in ClinVar:

ClinVar aggregate classification (germline): Uncertain significance (1 of 4 stars; one submission).

gnomAD v4.1: 7 of 1,613,166 alleles (0.00043%); highest among the groups gnomAD compares: East Asian, 0.0045%; no homozygotes.

Submission:

Women's Health and Genetics/Laboratory Corporation of America, LabCorp
Classification: Uncertain significance. Last evaluated: 2024-03-06. Review status: criteria provided, single submitter. Criteria: LabCorp Variant Classification Summary - May 2015. Collection method: clinical testing. Allele origin: germline.
Comment: Variant summary: CIITA c.1946C>G (p.Ala649Gly) results in a non-conservative amino acid change in the encoded protein sequence. Three of five in-silico tools predict a benign effect of the variant on protein function. The variant was absent in 244452 control chromosomes (gnomAD). The available data on variant occurrences in the general population are insufficient to allow any conclusion about variant significance. c.1946C>G has been reported in the literature in individuals affected with endometriosis (example: Zhu_2022). This report does not provide unequivocal conclusions about association of the variant with Bare Lymphocyte Syndrome 2 - CIITA Related. At least one publication reports experimental that this variant affects cell migration compared to WT (example: Zhu_2022).The following publication has been ascertained in the context of this evaluation (PMID: 35835655). No submitters have cited clinical-significance assessments for this variant to ClinVar. Based on the evidence outlined above, the variant was classified as uncertain significance.

Literature cited by the submitters: PubMed 35835655.

NM_000246.4(CIITA):c.1946C>G (p.Ala649Gly)

Gene: CIITA (class II major histocompatibility complex transactivator; plus strand). Cytogenetic location: 16p13.13.
Variant type: single nucleotide variant.
Coding change: c.1946C>G on transcript NM_000246.4 (MANE Select); coding-DNA position 1946, C replaced by G.
Protein change: p.Ala649Gly; replaces alanine 649 with glycine.
Molecular consequence: missense variant. On other transcripts: intron variant (1).
Genome position (GRCh38, 1-based): chr16:10,907,438, C>G. VCF-style: chr16-10907438-C-G. GRCh37 (hg19) VCF-style: chr16-11001295-C-G.
Other names: c.1949C>G, p.Ala650Gly (NM_001286402.1, NM_001379332.1); c.1802C>G, p.Ala601Gly (NM_001379330.1); c.1799C>G, p.Ala600Gly (NM_001379331.1); c.1946C>G, p.Ala649Gly (NM_001379333.1); c.1877C>G, p.Ala626Gly (NM_001379334.1); c.860-1545C>G (NM_001286403.2); short protein forms A600G, A601G, A626G, A649G, A650G.
Identifiers: ClinVar variation 3233640 (VCV003233640.2), dbSNP rs1268031530, ClinGen allele CA394732083.